The following is an entry in ClinVar:

ClinVar aggregate classification (germline): Likely benign. Review status: reviewed by expert panel (3 of 4 stars). 2 submissions from 2 submitters: Likely benign (1). 1 of the submissions does not count toward it. Last evaluated 2017-06-29.

Conditions:
Hereditary cancer-predisposing syndrome. Also called: Hereditary Cancer Syndrome; Neoplastic Syndromes, Hereditary; Tumor predisposition; Hereditary neoplastic syndrome. Identifiers: Orphanet 140162, MedGen C0027672, MeSH D009386, MONDO:0015356.
Breast-ovarian cancer, familial, susceptibility to, 2 (BROVCA2). Also called: BRCA2 Hereditary Breast and Ovarian Cancer. Identifiers: Orphanet 145, MedGen C2675520, MONDO:0012933, OMIM 612555. Disease mechanism: loss of function.

Submissions (2):

Evidence-based Network for the Interpretation of Germline Mutant Alleles (ENIGMA)
Classification: Likely benign for Breast-ovarian cancer, familial, susceptibility to, 2. Last evaluated: 2017-06-29. Review status: reviewed by expert panel. Criteria: ENIGMA BRCA1/2 Classification Criteria (2017-06-29). Collection method: curation. Allele origin: germline.
Comment: Synonymous substitution variant, with low bioinformatic likelihood to result in a splicing aberration (Splicing prior probability 0.02).

Ambry Genetics
Classification: Likely benign for Hereditary cancer-predisposing syndrome. Last evaluated: 2014-07-14. Review status: criteria provided, single submitter. Criteria: Ambry Variant Classification Scheme 2023. Collection method: clinical testing. Allele origin: germline. Not counted in ClinVar's aggregate classification.

NM_000059.4(BRCA2):c.9000A>G (p.Leu3000=)

Gene: BRCA2 (BRCA2 DNA repair associated; plus strand). Cytogenetic location: 13q13.1.
Variant type: single nucleotide variant.
Coding change: c.9000A>G on transcript NM_000059.4 (MANE Select); coding-DNA position 9000, A replaced by G.
Protein change: p.Leu3000=; no amino-acid change (leucine 3000 retained).
Molecular consequence: synonymous variant.
Genome position (GRCh38, 1-based): chr13:32,379,796, A>G. VCF-style: chr13-32379796-A-G. GRCh37 (hg19) VCF-style: chr13-32953933-A-G.
Identifiers: ClinVar variation 185746 (VCV000185746.7), dbSNP rs786202422, ClinGen allele CA025919.